The following is an entry in ClinVar:

NM_000053.4(ATP7B):c.1283del (p.Ser428fs)

Gene: ATP7B (ATPase copper transporting beta; minus strand). Cytogenetic location: 13q14.3.
Variant type: Deletion.
Coding change: c.1283del on transcript NM_000053.4 (MANE Select); coding-DNA position 1283, one base deleted (C; older notation c.1283delC).
Protein change: p.Ser428fs; shifts the reading frame from serine 428.
Molecular consequence: frameshift variant.
Genome position (GRCh38, 1-based): chr13:51,973,937, G deleted on the plus strand (C on the coding strand, the reverse complement: ATP7B is on the minus strand). VCF-style (leftmost placement, unchanged base first): chr13-51973936-AG-A. GRCh37 (hg19) VCF-style: chr13-52548072-AG-A.
Other names: c.1283del, p.Ser428fs (NM_001005918.3, NM_001330578.2, NM_001330579.2 and 29 more transcripts); c.950del, p.Ser317fs (NM_001243182.2); c.1187del, p.Ser396fs (NM_001406517.1, NM_001406518.1, NM_001406530.1 and 3 more transcripts); c.854del, p.Ser285fs (NM_001406539.1); c.1283delC (NM_000053.4); short protein forms S428fs, S396fs, S285fs, S317fs.
Identifiers: ClinVar variation 4540618 (VCV004540618.1).

ClinVar aggregate classification (germline): Likely pathogenic (1 of 4 stars; one submission).

Conditions:
Wilson disease (WND). Also called: Wilson's disease. Identifiers: Orphanet 905, MedGen C0019202, MONDO:0010200, OMIM 277900. Disease mechanism: loss of function.

Submission:

Lildballe Lab, Aarhus University Hospital
Classification: Likely pathogenic for Wilson disease. Last evaluated: 2024-08-29. Review status: criteria provided, single submitter. Criteria: ACMG Guidelines, 2015. Collection method: clinical testing. Allele origin: germline. Affected: yes.
Comment: PVS1, PM2